The following is an entry in ClinVar:

ClinVar aggregate classification (germline): Likely benign. Review status: criteria provided, multiple submitters, no conflicts (2 of 4 stars). 4 submissions from 4 submitters: Likely benign (2). 2 of the submissions do not count toward it. Last evaluated 2026-02-01.

Conditions:
ERCC6L2-related disorder. Also called: ERCC6L2-related condition.

Allele frequency attached by ClinVar (database versions not stated): gnomAD exomes 0.00019 and 0.00048; ExAC 0.00052; 1000 Genomes Project 30x 0.00172; gnomAD 0.00176 and 0.00185; 1000 Genomes Project 0.00180; TOPMed 0.00191; ESP Exome Variant Server 0.00246.
gnomAD v4.1: 497 of 1,367,584 alleles (0.036%); highest among the groups gnomAD compares: African/African-American, 0.55%; 3 homozygotes.

Submissions (4):

Labcorp Genetics (formerly Invitae), Labcorp
Classification: Likely benign. Last evaluated: 2026-02-01. Review status: criteria provided, single submitter. Criteria: Invitae Variant Classification Sherloc (09022015). Collection method: clinical testing. Allele origin: germline.

Blueprint Genetics
Classification: Likely benign. Last evaluated: 2024-09-09. Review status: criteria provided, single submitter. Criteria: ACMG Guidelines, 2015. Collection method: clinical testing. Allele origin: germline.

Genetic Services Laboratory, University of Chicago
Classification: Likely benign. Last evaluated: 2022-10-01. Review status: no assertion criteria provided. Collection method: clinical testing. Allele origin: germline. Affected: no. Not counted in ClinVar's aggregate classification.

PreventionGenetics, part of Exact Sciences
Classification: Likely benign for ERCC6L2-related condition. Last evaluated: 2022-09-01. Review status: no assertion criteria provided. Collection method: clinical testing. Allele origin: germline. Not counted in ClinVar's aggregate classification.
Comment: This variant is classified as likely benign based on ACMG/AMP sequence variant interpretation guidelines (Richards et al. 2015 PMID: 25741868, with internal and published modifications).

NM_020207.7(ERCC6L2):c.4129G>A (p.Glu1377Lys)

Gene: ERCC6L2 (ERCC excision repair 6 like 2; plus strand). Cytogenetic location: 9q22.32.
Variant type: single nucleotide variant.
Coding change: c.4129G>A on transcript NM_020207.7 (MANE Select); coding-DNA position 4129, G replaced by A.
Protein change: p.Glu1377Lys; replaces glutamic acid 1377 with lysine.
Molecular consequence: missense variant. On other transcripts: non-coding transcript variant (1), intron variant (2).
Genome position (GRCh38, 1-based): chr9:96,012,679, G>A. VCF-style: chr9-96012679-G-A. GRCh37 (hg19) VCF-style: chr9-98774961-G-A.
Other names: c.4162G>A (NM_020207.4); c.3674+7978G>A (NM_001375291.1, NM_001375292.1); short protein forms E1377K.
Identifiers: ClinVar variation 1633820 (VCV001633820.13), dbSNP rs35848327, ClinGen allele CA5140062.